The following is an entry in ClinVar:

ClinVar aggregate classification (germline): Uncertain significance (1 of 4 stars; one submission).

Conditions:
Combined oxidative phosphorylation defect type 17. Also called: Combined oxidative phosphorylation deficiency 17. Identifiers: Orphanet 369913, MedGen C3809526, MONDO:0014190, OMIM 615440.

Allele frequency attached by ClinVar (database versions not stated): TOPMed below 0.00001; gnomAD exomes 0.00001.
gnomAD v4.1: 12 of 1,614,202 alleles (0.00074%); highest among the groups gnomAD compares: Non-Finnish European, 0.001%; no homozygotes.

Submission:

Labcorp Genetics (formerly Invitae), Labcorp
Classification: Uncertain significance for Combined oxidative phosphorylation defect type 17. Last evaluated: 2022-04-30. Review status: criteria provided, single submitter. Criteria: Invitae Variant Classification Sherloc (09022015). Collection method: clinical testing. Allele origin: germline.
Comment: This sequence change replaces cysteine, which is neutral and slightly polar, with serine, which is neutral and polar, at codon 421 of the ELAC2 protein (p.Cys421Ser). This variant is not present in population databases (gnomAD no frequency). In summary, the available evidence is currently insufficient to determine the role of this variant in disease. Therefore, it has been classified as a Variant of Uncertain Significance. Algorithms developed to predict the effect of missense changes on protein structure and function (SIFT, PolyPhen-2, Align-GVGD) all suggest that this variant is likely to be tolerated. This variant has not been reported in the literature in individuals affected with ELAC2-related conditions.

NM_018127.7(ELAC2):c.1262G>C (p.Cys421Ser)

Gene: ELAC2 (elaC ribonuclease Z 2; minus strand). Cytogenetic location: 17p12.
Variant type: single nucleotide variant.
Coding change: c.1262G>C on transcript NM_018127.7 (MANE Select); coding-DNA position 1262, G replaced by C.
Protein change: p.Cys421Ser; replaces cysteine 421 with serine.
Molecular consequence: missense variant.
Genome position (GRCh38, 1-based): chr17:13,002,316, C>G on the plus strand (G>C on the coding strand, the complement: ELAC2 is on the minus strand). VCF-style: chr17-13002316-C-G. GRCh37 (hg19) VCF-style: chr17-12905633-C-G.
Other names: c.1142G>C, p.Cys381Ser (NM_001165962.2); c.1259G>C, p.Cys420Ser (NM_173717.2); short protein forms C381S, C420S, C421S.
Identifiers: ClinVar variation 2112654 (VCV002112654.4), dbSNP rs1451875798, ClinGen allele CA398225185.
Genomic context (GRCh38, chr17:13,002,316, plus strand): 5'-GTTCAAGATGGCACAGACCTCTGCCACTCCCTCCTGGGACGGAGCTGGTACTTGAGGAGG[C>G]ATTCACCCTGAACCATGGGCACACTGAGGGTGGGGCCCTCCTTCTGAAAGAGACAAAACA-3'
Protein context (NP_060597.4, residues 411-431): TLSVPMVQGE[Cys421Ser]LLKYQLRPRR